The following is an entry in ClinVar:

ClinVar aggregate classification (germline): Uncertain significance (1 of 4 stars; one submission).

Conditions:
Familial thoracic aortic aneurysm and aortic dissection (TAAD). Also called: Thoracic aortic aneurysms and dissections. Identifiers: Orphanet 91387, MedGen C4707243, MONDO:0019625.

gnomAD v4.1: 1 of 1,614,156 alleles (0.000062%); highest among the groups gnomAD compares: Admixed American, 0.0017%; no homozygotes.

Submission:

Ambry Genetics
Classification: Uncertain significance for Familial thoracic aortic aneurysm and aortic dissection. Last evaluated: 2025-06-10. Review status: criteria provided, single submitter. Criteria: Ambry Variant Classification Scheme 2023. Collection method: clinical testing. Allele origin: germline.
Comment: The p.N1438Y variant (also known as c.4312A>T), located in coding exon 30 of the MYH11 gene, results from an A to T substitution at nucleotide position 4312. The asparagine at codon 1438 is replaced by tyrosine, an amino acid with dissimilar properties. This amino acid position is conserved. In addition, this alteration is predicted to be deleterious by in silico analysis. Based on the available evidence, the clinical significance of this variant remains unclear.

NM_002474.3(MYH11):c.4312A>T (p.Asn1438Tyr)

Genes: NDE1 (nudE neurodevelopment protein 1; plus strand), MYH11 (myosin heavy chain 11; minus strand). Cytogenetic location: 16p13.11.
Variant type: single nucleotide variant.
Coding change: c.4312A>T on transcript NM_002474.3 (MANE Select); coding-DNA position 4312, A replaced by T.
Protein change: p.Asn1438Tyr; replaces asparagine 1438 with tyrosine.
Molecular consequence: missense variant. On other transcripts: nonsense (2).
Genome position (GRCh38, 1-based): chr16:15,724,214, T>A on the plus strand (A>T on the coding strand, the complement: MYH11 is on the minus strand). VCF-style: chr16-15724214-T-A. GRCh37 (hg19) VCF-style: chr16-15818071-T-A.
Other names: c.4333A>T, p.Asn1445Tyr (NM_001040113.2, NM_001040114.2); c.4312A>T, p.Asn1438Tyr (NM_022844.3); c.971T>A, p.Leu324Ter (NM_001143979.2, NM_017668.3); short protein forms N1438Y, N1445Y, L324*.
Identifiers: ClinVar variation 3915425 (VCV003915425.1).
Genomic context (GRCh38, chr16:15,724,214, plus strand): 5'-CCTCTACCTGATCAAATTTCCTCTGCTTCTTTTCCAGGTTGGACACGAGTTGCCGCTGGT[T>A]GTCCAAATCAACAACCAGGTCGTCCAGCTCCTGCTGAAGCCTGTTCTTGGTCTTTTCCAG-3'
Protein context (NP_002465.1, residues 1428-1448): ELDDLVVDLD[Asn1438Tyr]QRQLVSNLEK